The following is an entry in ClinVar:

ClinVar aggregate classification (germline): Uncertain significance. Review status: criteria provided, multiple submitters, no conflicts (2 of 4 stars). 2 submissions from 2 submitters: Uncertain significance (2). Last evaluated 2024-12-10.

Conditions:
Amyotrophic lateral sclerosis type 4 (ALS4). Also called: NEURONOPATHY, DISTAL HEREDITARY MOTOR, WITH PYRAMIDAL FEATURES; AMYOTROPHIC LATERAL SCLEROSIS 4, JUVENILE. Identifiers: Orphanet 357043, MedGen C1865409, MONDO:0011223, OMIM 602433.
Spinocerebellar ataxia, autosomal recessive, with axonal neuropathy 2 (SCAN2). Also called: ATAXIA-OCULOMOTOR APRAXIA 2; Ataxia with Oculomotor Apraxia; Ataxia with Oculomotor Apraxia Type 2; Ataxia-ocular apraxia-2. Identifiers: Orphanet 64753, MedGen C1853761, MONDO:0018996, OMIM 606002.

Allele frequency attached by ClinVar (database versions not stated): gnomAD exomes below 0.00001.
gnomAD v4.1: 1 of 1,613,644 alleles (0.000062%); highest among the groups gnomAD compares: Non-Finnish European, 0.000085%; no homozygotes.

Submissions (2):

GeneDx
Classification: Uncertain significance. Last evaluated: 2024-12-10. Review status: criteria provided, single submitter. Criteria: GeneDx Variant Classification Process June 2021. Collection method: clinical testing. Allele origin: germline. Affected: yes.
Comment: Not observed at significant frequency in large population cohorts (gnomAD); In silico analysis supports that this missense variant has a deleterious effect on protein structure/function; This variant is associated with the following publications: (PMID: 33163565, 24108619, 35426160)

Labcorp Genetics (formerly Invitae), Labcorp
Classification: Uncertain significance for Amyotrophic lateral sclerosis type 4; Spinocerebellar ataxia, autosomal recessive, with axonal neuropathy 2. Last evaluated: 2022-11-01. Review status: criteria provided, single submitter. Criteria: Invitae Variant Classification Sherloc (09022015). Collection method: clinical testing. Allele origin: germline.
Comment: This sequence change replaces glycine, which is neutral and non-polar, with cysteine, which is neutral and slightly polar, at codon 2047 of the SETX protein (p.Gly2047Cys). This variant is not present in population databases (gnomAD no frequency). This missense change has been observed in individual(s) with clinical features of autosomal recessive SETX-related conditions (PMID: 24108619). ClinVar contains an entry for this variant (Variation ID: 1524588). Advanced modeling of protein sequence and biophysical properties (such as structural, functional, and spatial information, amino acid conservation, physicochemical variation, residue mobility, and thermodynamic stability) has been performed at Invitae for this missense variant, however the output from this modeling did not meet the statistical confidence thresholds required to predict the impact of this variant on SETX protein function. In summary, the available evidence is currently insufficient to determine the role of this variant in disease. Therefore, it has been classified as a Variant of Uncertain Significance.

Literature cited by the submitters: PubMed 24108619 (cited by Labcorp Genetics (formerly Invitae), Labcorp).

NM_015046.7(SETX):c.6139G>T (p.Gly2047Cys)

Gene: SETX (senataxin; minus strand). Cytogenetic location: 9q34.13.
Variant type: single nucleotide variant.
Coding change: c.6139G>T on transcript NM_015046.7 (MANE Select); coding-DNA position 6139, G replaced by T.
Protein change: p.Gly2047Cys; replaces glycine 2047 with cysteine.
Molecular consequence: missense variant.
Genome position (GRCh38, 1-based): chr9:132,288,619, C>A on the plus strand (G>T on the coding strand, the complement: SETX is on the minus strand). VCF-style: chr9-132288619-C-A. GRCh37 (hg19) VCF-style: chr9-135164006-C-A.
Other names: c.6139G>T, p.Gly2047Cys (NM_001351527.2, NM_001351528.2); c.6139G>T (NM_015046.5); short protein forms G2047C.
Identifiers: ClinVar variation 1524588 (VCV001524588.7), dbSNP rs762479596, ClinGen allele CA200812397.